The following is an entry in ClinVar:

ClinVar aggregate classification (germline): Uncertain significance. Review status: criteria provided, multiple submitters, no conflicts (2 of 4 stars). 4 submissions from 4 submitters: Uncertain significance (3). 1 of the submissions does not count toward it. Last evaluated 2026-01-14.

Conditions:
Cardiovascular phenotype. Identifiers: MedGen CN230736.
Hypertrophic cardiomyopathy 26. Also called: Cardiomyopathy, familial hypertrophic, 26. Identifiers: Orphanet 75249, MedGen C4310749, MONDO:0014883, OMIM 617047.
Myofibrillar myopathy 5. Also called: Filaminopathy (type); FILAMINOPATHY, AUTOSOMAL DOMINANT. Identifiers: Orphanet 171445, MedGen C1836050, MONDO:0012289, OMIM 609524.
Distal myopathy with posterior leg and anterior hand involvement. Also called: WILLIAMS DISTAL MYOPATHY. Identifiers: Orphanet 63273, MedGen C3279722, MONDO:0013550, OMIM 614065.

Allele frequency attached by ClinVar (database versions not stated): gnomAD exomes below 0.00001.
gnomAD v4.1: 1 of 1,614,156 alleles (0.000062%); highest among the groups gnomAD compares: Non-Finnish European, 0.000085%; no homozygotes.

Submissions (4):

Labcorp Genetics (formerly Invitae), Labcorp
Classification: Uncertain significance for Distal myopathy with posterior leg and anterior hand involvement; Myofibrillar myopathy 5; Hypertrophic cardiomyopathy 26. Last evaluated: 2026-01-14. Review status: criteria provided, single submitter. Criteria: Invitae Variant Classification Sherloc (09022015). Collection method: clinical testing. Allele origin: germline.
Comment: This sequence change replaces valine, which is neutral and non-polar, with methionine, which is neutral and non-polar, at codon 245 of the FLNC protein (p.Val245Met). This variant is not present in population databases (gnomAD no frequency). This missense change has been observed in individual(s) with clinical features of FLNC-related conditions (PMID: 35903116). ClinVar contains an entry for this variant (Variation ID: 1705741). Invitae Evidence Modeling of protein sequence and biophysical properties (such as structural, functional, and spatial information, amino acid conservation, physicochemical variation, residue mobility, and thermodynamic stability) has been performed for this missense variant. However, the output from this modeling did not meet the statistical confidence thresholds required to predict the impact of this variant on FLNC protein function. In summary, the available evidence is currently insufficient to determine the role of this variant in disease. Therefore, it has been classified as a Variant of Uncertain Significance.

Ambry Genetics
Classification: Uncertain significance for Cardiovascular phenotype. Last evaluated: 2023-11-13. Review status: criteria provided, single submitter. Criteria: Ambry Variant Classification Scheme 2023. Collection method: clinical testing. Allele origin: germline.
Comment: The p.V245M variant (also known as c.733G>A), located in coding exon 4 of the FLNC gene, results from a G to A substitution at nucleotide position 733. The valine at codon 245 is replaced by methionine, an amino acid with highly similar properties. This variant has been detected in a proband with skeletal myopathy whose relatives with this variant were reported to have features of skeletal myopathy or dilated cardiomyopathy (Velardo D et al. Front Neurol, 2022 Jul;13:930039). This amino acid position is highly conserved in available vertebrate species. In addition, the in silico prediction for this alteration is inconclusive. Since supporting evidence is limited at this time, the clinical significance of this alteration remains unclear.

MGZ Medical Genetics Center
Classification: Uncertain significance for Hypertrophic cardiomyopathy 26. Last evaluated: 2022-02-16. Review status: criteria provided, single submitter. Criteria: ACMG Guidelines, 2015. Collection method: clinical testing. Allele origin: germline. Affected: yes. Observed: 1 variant allele.
Comment: ACMG criteria applied: PM2_SUP; PP3

OMIM
Classification: Pathogenic for MYOPATHY, DISTAL, 4. Last evaluated: 2022-09-14. Review status: no assertion criteria provided. Collection method: literature only. Allele origin: germline. Not counted in ClinVar's aggregate classification.

Literature cited by the submitters: PubMed 35903116 (cited by 3 submitters).

NM_001458.5(FLNC):c.733G>A (p.Val245Met)

Gene: FLNC (filamin C; plus strand). Cytogenetic location: 7q32.1.
Variant type: single nucleotide variant.
Coding change: c.733G>A on transcript NM_001458.5 (MANE Select); coding-DNA position 733, G replaced by A.
Protein change: p.Val245Met; replaces valine 245 with methionine.
Molecular consequence: missense variant.
Genome position (GRCh38, 1-based): chr7:128,837,431, G>A. VCF-style: chr7-128837431-G-A. GRCh37 (hg19) VCF-style: chr7-128477485-G-A.
Other names: V245M; c.733G>A, p.Val245Met (NM_001127487.2).
Identifiers: ClinVar variation 1705741 (VCV001705741.6), dbSNP rs2536618291, ClinGen allele CA369222058.
Genomic context (GRCh38, chr7:128,837,431, plus strand): 5'-ATGTGACATCACTCCTTTCCATCGCAGGTCATTGCCCCTGAGGAGATTGTGGACCCCAAC[G>A]TGGATGAGCATTCTGTTATGACCTACCTGTCCCAGTTCCCCAAGGCCAAGCTCAAACCTG-3'
Protein context (NP_001449.3, residues 235-255): IAPEEIVDPN[Val245Met]DEHSVMTYLS